The following is an entry in ClinVar:

ClinVar aggregate classification (germline): Conflicting classifications of pathogenicity. Review status: criteria provided, conflicting classifications (1 of 4 stars). 2 submissions from 2 submitters: Uncertain significance (1); Likely benign (1). Last evaluated 2023-08-07.

Conditions:
Cardiovascular phenotype. Identifiers: MedGen CN230736.
Hereditary cancer-predisposing syndrome. Also called: Tumor predisposition; Hereditary neoplastic syndrome; Neoplastic Syndromes, Hereditary; Hereditary Cancer Syndrome. Identifiers: Orphanet 140162, MedGen C0027672, MeSH D009386, MONDO:0015356.

Submissions (2):

Ambry Genetics
Classification: Likely benign for Cardiovascular phenotype; Hereditary cancer-predisposing syndrome. Last evaluated: 2023-08-07. Review status: criteria provided, single submitter. Criteria: Ambry Variant Classification Scheme 2023. Collection method: clinical testing. Allele origin: germline.

GeneDx
Classification: Uncertain significance. Last evaluated: 2023-03-30. Review status: criteria provided, single submitter. Criteria: GeneDx Variant Classification Process June 2021. Collection method: clinical testing. Allele origin: germline. Affected: yes.
Comment: Not observed at significant frequency in large population cohorts (gnomAD); In silico analysis supports that this variant does not alter splicing; Has not been previously published as pathogenic or benign to our knowledge

NM_001042492.3(NF1):c.5253C>G (p.Thr1751=)

Gene: NF1 (neurofibromin 1; plus strand). Cytogenetic location: 17q11.2.
Variant type: single nucleotide variant.
Coding change: c.5253C>G on transcript NM_001042492.3 (MANE Select); coding-DNA position 5253, C replaced by G.
Protein change: p.Thr1751=; no amino-acid change (threonine 1751 retained).
Molecular consequence: synonymous variant.
Genome position (GRCh38, 1-based): chr17:31,326,237, C>G. VCF-style: chr17-31326237-C-G. GRCh37 (hg19) VCF-style: chr17-29653255-C-G.
Other names: c.5190C>G, p.Thr1730= (NM_000267.4).
Identifiers: ClinVar variation 2582065 (VCV002582065.2), dbSNP rs768884582, ClinGen allele CA499233233.
Genomic context (GRCh38, chr17:31,326,237, plus strand): 5'-GGCTTTAGAAGAGGACCTGAAGGTATTCCACAATGCTCTCAAGCTAGCTCACAAAGACAC[C>G]AAAGTTTCTATTAAAGTAAGTTCCAGTCTGTGTTTTGTAAACGATTCATTGCTTTTCTTG-3'
Protein context (NP_001035957.1, residues 1741-1761): HNALKLAHKD[Thr1751=]KVSIKVGSTA